The following is an entry in ClinVar:

ClinVar aggregate classification (germline): Uncertain significance (1 of 4 stars; one submission).

gnomAD v4.1: 1 of 1,613,314 alleles (0.000062%); highest among the groups gnomAD compares: South Asian, 0.0011%; no homozygotes.

Submission:

GeneDx
Classification: Uncertain significance. Last evaluated: 2026-04-30. Review status: criteria provided, single submitter. Criteria: GeneDx Variant Classification Process June 2021. Collection method: clinical testing. Allele origin: germline.
Comment: Not observed at significant frequency in large population cohorts (gnomAD); Missense variants in this gene are a common cause of disease and they are underrepresented in the general population; In silico analysis supports that this missense variant has a deleterious effect on protein structure/function; Has not been previously published as pathogenic or benign to our knowledge

NM_152263.4(TPM3):c.4A>G (p.Met2Val)

Gene: TPM3 (tropomyosin 3; minus strand). Cytogenetic location: 1q21.3.
Variant type: single nucleotide variant.
Coding change: c.4A>G on transcript NM_152263.4 (MANE Select); coding-DNA position 4, A replaced by G.
Protein change: p.Met2Val; replaces methionine 2 with valine.
Molecular consequence: missense variant. On other transcripts: non-coding transcript variant (1).
Genome position (GRCh38, 1-based): chr1:154,192,015, T>C on the plus strand (A>G on the coding strand, the complement: TPM3 is on the minus strand). VCF-style: chr1-154192015-T-C. GRCh37 (hg19) VCF-style: chr1-154164491-T-C.
Other names: c.4A>G, p.Met2Val (NM_001364679.2, NM_001364680.2, NM_001364681.2 and 1 more transcripts); short protein forms M2V.
Identifiers: ClinVar variation 3361216 (VCV003361216.2).
Genomic context (GRCh38, chr1:154,192,015, plus strand): 5'-GATCCAGAGCATTCTCCTTGTCTAACTTCAGCATCTGCATCTTTTTCTTGATGGCCTCCA[T>C]CATGAGCAGTGGCTGTTGGTAGGCTCACCTGTGAACACTGGAGAACTGGAGACTGGGGCA-3'
Protein context (NP_689476.2, residues 1-12): M[Met2Val]EAIKKKMQML